The following is an entry in ClinVar:

ClinVar aggregate classification (germline): Uncertain significance (1 of 4 stars; one submission).

gnomAD v4.1: 4 of 1,613,160 alleles (0.00025%); highest among the groups gnomAD compares: Non-Finnish European, 0.00034%; no homozygotes.

Submission:

Women's Health and Genetics/Laboratory Corporation of America, LabCorp
Classification: Uncertain significance. Last evaluated: 2025-10-22. Review status: criteria provided, single submitter. Criteria: LabCorp Variant Classification Summary - May 2015. Collection method: clinical testing. Allele origin: germline.
Comment: Variant summary: INF2 c.2011G>A (p.Val671Ile) results in a conservative amino acid change in the encoded protein sequence. Algorithms developed to predict the effect of missense changes on protein structure and function all suggest that this variant is likely to be tolerated. The variant allele was found at a frequency of 4e-06 in 248296 control chromosomes. The available data on variant occurrences in the general population are insufficient to allow any conclusion about variant significance. To our knowledge, no occurrence of c.2011G>A in individuals affected with INF2-related conditions and no experimental evidence demonstrating its impact on protein function have been reported. No submitters have cited clinical-significance assessments for this variant to ClinVar. Based on the evidence outlined above, the variant was classified as uncertain significance.

NM_022489.4(INF2):c.2011G>A (p.Val671Ile)

Gene: INF2 (inverted formin 2; plus strand). Cytogenetic location: 14q32.33.
Variant type: single nucleotide variant.
Coding change: c.2011G>A on transcript NM_022489.4 (MANE Select); coding-DNA position 2011, G replaced by A.
Protein change: p.Val671Ile; replaces valine 671 with isoleucine.
Molecular consequence: missense variant. On other transcripts: non-coding transcript variant (1).
Genome position (GRCh38, 1-based): chr14:104,709,342, G>A. VCF-style: chr14-104709342-G-A. GRCh37 (hg19) VCF-style: chr14-105175679-G-A.
Other names: c.2011G>A, p.Val671Ile (NM_001031714.4, NM_001426862.1, NM_001426863.1 and 2 more transcripts); short protein forms V671I.
Identifiers: ClinVar variation 4687108 (VCV004687108.1).